The following is an entry in ClinVar:

NM_003722.5(TP63):c.713C>T (p.Thr238Met)

Gene: TP63 (tumor protein p63; plus strand). Cytogenetic location: 3q28.
Variant type: single nucleotide variant.
Coding change: c.713C>T on transcript NM_003722.5 (MANE Select); coding-DNA position 713, C replaced by T.
Protein change: p.Thr238Met; replaces threonine 238 with methionine.
Molecular consequence: missense variant.
Genome position (GRCh38, 1-based): chr3:189,864,365, C>T. VCF-style: chr3-189864365-C-T. GRCh37 (hg19) VCF-style: chr3-189582154-C-T.
Other names: c.713C>T, p.Thr238Met (NM_001114979.2, NM_001329144.2, NM_001329148.2 and 1 more transcripts); c.431C>T, p.Thr144Met (NM_001114980.2, NM_001114981.2, NM_001114982.2 and 2 more transcripts); c.176C>T, p.Thr59Met (NM_001329146.2, NM_001329150.2); c.707C>T, p.Thr236Met (NM_001329964.2); c.713C>T (NM_003722.4); short protein forms T236M, T238M, T59M, T144M.
Identifiers: ClinVar variation 2849003 (VCV002849003.3), dbSNP rs377757904, ClinGen allele CA89742094.
Genomic context (GRCh38, chr3:189,864,365, plus strand): 5'-CACCTCCTCAGGGAGCTGTTATCCGCGCCATGCCTGTCTACAAAAAAGCTGAGCACGTCA[C>T]GGAGGTGGTGAAGCGGTGCCCCAACCATGAGCTGAGCCGTGAATTCAACGAGGGTAAGCA-3'
Protein context (NP_003713.3, residues 228-248): MPVYKKAEHV[Thr238Met]EVVKRCPNHE

ClinVar aggregate classification (germline): Uncertain significance. Review status: criteria provided, multiple submitters, no conflicts (2 of 4 stars). 2 submissions from 2 submitters: Uncertain significance (2). Last evaluated 2025-11-25.

Conditions:
TP63-Related Spectrum Disorders.
Inborn genetic diseases. Identifiers: MedGen C0950123, MeSH D030342.

Allele frequency attached by ClinVar (database versions not stated): gnomAD 0.00003; gnomAD exomes 0.00001; ESP Exome Variant Server 0.00008.

Submissions (2):

Ambry Genetics
Classification: Uncertain significance for Inborn genetic diseases. Last evaluated: 2025-11-25. Review status: criteria provided, single submitter. Criteria: Ambry Variant Classification Scheme 2023. Collection method: clinical testing. Allele origin: germline.

Labcorp Genetics (formerly Invitae), Labcorp
Classification: Uncertain significance. Last evaluated: 2023-09-09. Review status: criteria provided, single submitter. Criteria: Invitae Variant Classification Sherloc (09022015). Collection method: clinical testing. Allele origin: germline.
Comment: Advanced modeling of protein sequence and biophysical properties (such as structural, functional, and spatial information, amino acid conservation, physicochemical variation, residue mobility, and thermodynamic stability) has been performed at Invitae for this missense variant, however the output from this modeling did not meet the statistical confidence thresholds required to predict the impact of this variant on TP63 protein function. This variant has not been reported in the literature in individuals affected with TP63-related conditions. The frequency data for this variant in the population databases is considered unreliable, as metrics indicate poor data quality at this position in the gnomAD database. This sequence change replaces threonine, which is neutral and polar, with methionine, which is neutral and non-polar, at codon 238 of the TP63 protein (p.Thr238Met). In summary, the available evidence is currently insufficient to determine the role of this variant in disease. Therefore, it has been classified as a Variant of Uncertain Significance.